The following is an entry in ClinVar:

ClinVar aggregate classification (germline): Benign (1 of 4 stars; one submission).

Allele frequency attached by ClinVar (database versions not stated): gnomAD 0.04657 and 0.04767; 1000 Genomes Project 30x 0.02139.

Submission:

GeneDx
Classification: Benign. Last evaluated: 2018-06-14. Review status: criteria provided, single submitter. Criteria: GeneDx Variant Classification (06012015). Collection method: clinical testing. Allele origin: germline. Affected: yes.
Comment: This variant is considered likely benign or benign based on one or more of the following criteria: it is a conservative change, it occurs at a poorly conserved position in the protein, it is predicted to be benign by multiple in silico algorithms, and/or has population frequency not consistent with disease.

NM_030777.4(SLC2A10):c.1411+181del

Gene: SLC2A10 (solute carrier family 2 member 10; plus strand). Cytogenetic location: 20q13.12.
Variant type: Deletion.
Coding change: c.1411+181del on transcript NM_030777.4 (MANE Select); 181 bases into the intron after coding-DNA position 1411, one base deleted (C; older notation c.1411+181delC).
Molecular consequence: intron variant.
Genome position (GRCh38, 1-based): chr20:46,727,167, C deleted. VCF-style (leftmost placement, unchanged base first): chr20-46727166-GC-G. GRCh37 (hg19) VCF-style: chr20-45355805-GC-G.
Identifiers: ClinVar variation 673951 (VCV000673951.1), dbSNP rs201022621, ClinGen allele CA315757275.
Genomic context (GRCh38, chr20:46,727,166, plus strand): 5'-CATCAAATGTCCAAGACGACATCCAGGACCCTCATATGCACTGTAAAACTCCCCAGGCCA[GC>G]TAATGGGTGATGGTCTACACCCAGTACTGGTGAGAGGTCATCTGAGGTCAACCGGCAGGA-3'